The following is an entry in ClinVar:

ClinVar aggregate classification (germline): Benign/Likely benign. Review status: criteria provided, multiple submitters, no conflicts (2 of 4 stars). 7 submissions from 7 submitters: Benign (4); Likely benign (2). 1 of the submissions does not count toward it. Last evaluated 2026-02-02.

Conditions:
CIB2-related disorder. Also called: CIB2-related condition.

Allele frequency attached by ClinVar (database versions not stated): gnomAD exomes 0.00101 and 0.00200; ExAC 0.00218; gnomAD 0.00279 and 0.00294; ESP Exome Variant Server 0.00301; TOPMed 0.00340; 1000 Genomes Project 0.00599; 1000 Genomes Project 30x 0.00671.
gnomAD v4.1: 1,937 of 1,614,212 alleles (0.12%); highest among the groups gnomAD compares: South Asian, 0.9%; 15 homozygotes.

Submissions (7):

Labcorp Genetics (formerly Invitae), Labcorp
Classification: Benign. Last evaluated: 2026-02-02. Review status: criteria provided, single submitter. Criteria: Invitae Variant Classification Sherloc (09022015). Collection method: clinical testing. Allele origin: germline.

CeGaT Center for Human Genetics Tuebingen
Classification: Likely benign. Last evaluated: 2024-09-01. Review status: criteria provided, single submitter. Criteria: CeGaT Center For Human Genetics Tuebingen Variant Classification Criteria Version 2. Collection method: clinical testing. Allele origin: germline. Affected: yes. Observed: 1 variant allele.
Comment: CIB2: BS2

GeneDx
Classification: Benign. Last evaluated: 2018-10-04. Review status: criteria provided, single submitter. Criteria: GeneDx Variant Classification Process June 2021. Collection method: clinical testing. Allele origin: germline. Affected: yes.

Eurofins Ntd Llc (ga)
Classification: Benign. Last evaluated: 2015-05-20. Review status: criteria provided, single submitter. Criteria: EGL Classification Definitions 2015. Collection method: clinical testing. Allele origin: germline. Observed: 1 variant allele, 1 heterozygote.

Laboratory for Molecular Medicine, Mass General Brigham Personalized Medicine
Classification: Benign. Last evaluated: 2014-11-24. Review status: criteria provided, single submitter. Criteria: LMM Criteria. Collection method: clinical testing. Allele origin: germline. Observed: 5 variant alleles.
Comment: Asp150Asn in exon 5 of CIB2: This variant is not expected to have clinical signi ficance because it has been identified in 0.8% (36/4392) of African American chr omosomes from a broad population by the NHLBI Exome Sequencing Project (dbSNP rs141932061).

Breakthrough Genomics
Classification: Likely benign. Review status: criteria provided, single submitter. Criteria: ACMG Guidelines, 2015. Collection method: not provided. Allele origin: germline. Inheritance: Autosomal recessive inheritance. Affected: yes.

PreventionGenetics, part of Exact Sciences
Classification: Benign for CIB2-related condition. Last evaluated: 2020-06-12. Review status: no assertion criteria provided. Collection method: clinical testing. Allele origin: germline. Not counted in ClinVar's aggregate classification.
Comment: This variant is classified as benign based on ACMG/AMP sequence variant interpretation guidelines (Richards et al. 2015 PMID: 25741868, with internal and published modifications).

NM_006383.4(CIB2):c.448G>A (p.Asp150Asn)

Gene: CIB2 (calcium and integrin binding family member 2; minus strand). Cytogenetic location: 15q25.1.
Variant type: single nucleotide variant.
Coding change: c.448G>A on transcript NM_006383.4 (MANE Select); coding-DNA position 448, G replaced by A.
Protein change: p.Asp150Asn; replaces aspartic acid 150 with asparagine.
Molecular consequence: missense variant. On other transcripts: non-coding transcript variant (1).
Genome position (GRCh38, 1-based): chr15:78,105,833, C>T on the plus strand (G>A on the coding strand, the complement: CIB2 is on the minus strand). VCF-style: chr15-78105833-C-T. GRCh37 (hg19) VCF-style: chr15-78398175-C-T.
Other names: c.319G>A, p.Asp107Asn (NM_001271888.2); c.301G>A, p.Asp101Asn (NM_001271889.2); c.463G>A, p.Asp155Asn (NM_001301224.2); short protein forms D150N, D155N, D107N, D101N.
Identifiers: ClinVar variation 197787 (VCV000197787.37), dbSNP rs141932061, ClinGen allele CA203086.